The following is an entry in ClinVar:

NM_004036.5(ADCY3):c.392C>T (p.Pro131Leu)

Gene: ADCY3 (adenylate cyclase 3; minus strand). Cytogenetic location: 2p23.3.
Variant type: single nucleotide variant.
Coding change: c.392C>T on transcript NM_004036.5 (MANE Select); coding-DNA position 392, C replaced by T.
Protein change: p.Pro131Leu; replaces proline 131 with leucine.
Molecular consequence: missense variant.
Genome position (GRCh38, 1-based): chr2:24,918,596, G>A on the plus strand (C>T on the coding strand, the complement: ADCY3 is on the minus strand). VCF-style: chr2-24918596-G-A. GRCh37 (hg19) VCF-style: chr2-25141465-G-A.
Other names: c.392C>T, p.Pro131Leu (NM_001320613.2, NM_001377128.1, NM_001377129.1 and 2 more transcripts); short protein forms P131L.
Identifiers: ClinVar variation 4996798 (VCV004996798.1).
Genomic context (GRCh38, chr2:24,918,596, plus strand): 5'-ATCTGGGCGGTTATGAGCAGCCACAGCACGTAGGGCAGCACTCTGCGGGTGACCCGGTCC[G>A]GGAGCAGCCCCTTTTTGCAGAGCACGAAGAGGATGATGTCCAACACCAGTCCAATTCCAG-3'
Protein context (NP_004027.2, residues 121-141): LFVLCKKGLL[Pro131Leu]DRVTRRVLPY

ClinVar aggregate classification (germline): Uncertain significance (1 of 4 stars; one submission).

Conditions:
ADCY3-related disorder. Also called: ADCY3-related condition.

gnomAD v4.1: 5 of 1,614,122 alleles (0.00031%); highest among the groups gnomAD compares: Non-Finnish European, 0.00017%; no homozygotes.

Submission:

PreventionGenetics, part of Exact Sciences
Classification: Uncertain significance for ADCY3-related condition. Last evaluated: 2025-06-24. Review status: criteria provided, single submitter. Criteria: ACMG Guidelines, 2015. Collection method: clinical testing. Allele origin: germline.
Comment: The ADCY3 c.392C>T variant is predicted to result in the amino acid substitution p.Pro131Leu. To our knowledge, this variant has not been reported in the literature. This variant is reported in 0.0099% of alleles in individuals of Ashkenazi Jewish descent in gnomAD. At this time, the clinical significance of this variant is uncertain due to the absence of conclusive functional and genetic evidence.